The following is an entry in ClinVar:

NM_012478.4(WBP2):c.346G>A (p.Ala116Thr)

Gene: WBP2 (WW domain binding protein 2; minus strand). Cytogenetic location: 17q25.1.
Variant type: single nucleotide variant.
Coding change: c.346G>A on transcript NM_012478.4 (MANE Select); coding-DNA position 346, G replaced by A.
Protein change: p.Ala116Thr; replaces alanine 116 with threonine.
Molecular consequence: missense variant.
Genome position (GRCh38, 1-based): chr17:75,848,621, C>T on the plus strand (G>A on the coding strand, the complement: WBP2 is on the minus strand). VCF-style: chr17-75848621-C-T. GRCh37 (hg19) VCF-style: chr17-73844702-C-T.
Other names: c.346G>A (NM_012478.3); c.346G>A, p.Ala116Thr (NM_001330499.2, NM_001348170.1); short protein forms A116T.
Identifiers: ClinVar variation 1401675 (VCV001401675.10), dbSNP rs376568072, ClinGen allele CA8773955.
Genomic context (GRCh38, chr17:75,848,621, plus strand): 5'-CCTGGATACCTTGAGATGCCACCTGGAGCATCCGCTGTCCGAACTCAATGGCGCCCCCTG[C>T]CGTGAAAGTCAACTTGTAGGAAGCAGAGCCTTCCCAGCCACCTGAAAGGGGAAGGACAGT-3'
Protein context (NP_036610.2, residues 106-126): GSASYKLTFT[Ala116Thr]GGAIEFGQRM

ClinVar aggregate classification (germline): Uncertain significance. Review status: criteria provided, multiple submitters, no conflicts (2 of 4 stars). 3 submissions from 3 submitters: Uncertain significance (3). Last evaluated 2024-06-17.

Allele frequency attached by ClinVar (database versions not stated): ExAC 0.00002; gnomAD exomes 0.00004 and 0.00006; TOPMed 0.00004; gnomAD 0.00005 and 0.00006; ESP Exome Variant Server 0.00008.
gnomAD v4.1: 101 of 1,613,942 alleles (0.0063%); highest among the groups gnomAD compares: Non-Finnish European, 0.008%; no homozygotes.

Submissions (3):

Labcorp Genetics (formerly Invitae), Labcorp
Classification: Uncertain significance. Last evaluated: 2024-06-17. Review status: criteria provided, single submitter. Criteria: Invitae Variant Classification Sherloc (09022015). Collection method: clinical testing. Allele origin: germline.
Comment: This sequence change replaces alanine, which is neutral and non-polar, with threonine, which is neutral and polar, at codon 116 of the WBP2 protein (p.Ala116Thr). This variant is present in population databases (rs376568072, gnomAD 0.01%). This variant has not been reported in the literature in individuals affected with WBP2-related conditions. ClinVar contains an entry for this variant (Variation ID: 1401675). Advanced modeling of protein sequence and biophysical properties (such as structural, functional, and spatial information, amino acid conservation, physicochemical variation, residue mobility, and thermodynamic stability) performed at Invitae indicates that this missense variant is not expected to disrupt WBP2 protein function with a negative predictive value of 80%. In summary, the available evidence is currently insufficient to determine the role of this variant in disease. Therefore, it has been classified as a Variant of Uncertain Significance.

Blueprint Genetics
Classification: Uncertain significance. Last evaluated: 2023-10-05. Review status: criteria provided, single submitter. Criteria: ACMG Guidelines, 2015. Collection method: clinical testing. Allele origin: germline.

Ambry Genetics
Classification: Uncertain significance. Last evaluated: 2022-11-16. Review status: criteria provided, single submitter. Criteria: Ambry Variant Classification Scheme 2023. Collection method: clinical testing. Allele origin: germline.